The following is an entry in ClinVar:

ClinVar aggregate classification (germline): Uncertain significance (1 of 4 stars; one submission).

Conditions:
Duchenne muscular dystrophy (DMD). Also called: MUSCULAR DYSTROPHY, PSEUDOHYPERTROPHIC PROGRESSIVE, DUCHENNE TYPE; Duchenne Muscular Dystrophy (DMD). Identifiers: Orphanet 98896, MedGen C0013264, MONDO:0010679, OMIM 310200.

Submission:

Labcorp Genetics (formerly Invitae), Labcorp
Classification: Uncertain significance for Duchenne muscular dystrophy. Last evaluated: 2024-01-07. Review status: criteria provided, single submitter. Criteria: Invitae Variant Classification Sherloc (09022015). Collection method: clinical testing. Allele origin: germline.
Comment: This sequence change replaces glutamic acid, which is acidic and polar, with glycine, which is neutral and non-polar, at codon 2914 of the DMD protein (p.Glu2914Gly). This variant is not present in population databases (gnomAD no frequency). This variant has not been reported in the literature in individuals affected with DMD-related conditions. Advanced modeling of protein sequence and biophysical properties (such as structural, functional, and spatial information, amino acid conservation, physicochemical variation, residue mobility, and thermodynamic stability) performed at Invitae indicates that this missense variant is not expected to disrupt DMD protein function with a negative predictive value of 95%. In summary, the available evidence is currently insufficient to determine the role of this variant in disease. Therefore, it has been classified as a Variant of Uncertain Significance.

NM_004006.3(DMD):c.8741A>G (p.Glu2914Gly)

Gene: DMD (dystrophin; minus strand). Cytogenetic location: Xp21.2.
Variant type: single nucleotide variant.
Coding change: c.8741A>G on transcript NM_004006.3 (MANE Select); coding-DNA position 8741, A replaced by G.
Protein change: p.Glu2914Gly; replaces glutamic acid 2914 with glycine.
Molecular consequence: missense variant.
Genome position (GRCh38, 1-based): chrX:31,478,302, T>C on the plus strand (A>G on the coding strand, the complement: DMD is on the minus strand). VCF-style: chrX-31478302-T-C. GRCh37 (hg19) VCF-style: chrX-31496419-T-C.
Other names: c.8717A>G, p.Glu2906Gly (NM_000109.4); c.8729A>G, p.Glu2910Gly (NM_004009.3); c.8372A>G, p.Glu2791Gly (NM_004010.3); c.4718A>G, p.Glu1573Gly (NM_004011.4); c.4709A>G, p.Glu1570Gly (NM_004012.4); c.1361A>G, p.Glu454Gly (NM_004013.3, NM_004020.4, NM_004021.3 and 2 more transcripts); c.554A>G, p.Glu185Gly (NM_004014.3); short protein forms E1570G, E2910G, E1573G, E2914G, E2906G, E454G, E185G, E2791G.
Identifiers: ClinVar variation 2705288 (VCV002705288.3), dbSNP rs148950131, ClinGen allele CA412654262.